The following is an entry in ClinVar:

NM_002439.5(MSH3):c.2348C>T (p.Pro783Leu)

Gene: MSH3 (mutS homolog 3; plus strand). Cytogenetic location: 5q14.1.
Variant type: single nucleotide variant.
Coding change: c.2348C>T on transcript NM_002439.5 (MANE Select); coding-DNA position 2348, C replaced by T.
Protein change: p.Pro783Leu; replaces proline 783 with leucine.
Molecular consequence: missense variant.
Genome position (GRCh38, 1-based): chr5:80,778,749, C>T. VCF-style: chr5-80778749-C-T. GRCh37 (hg19) VCF-style: chr5-80074568-C-T.
Other names: c.2348C>T (NM_002439.3); short protein forms P783L.
Identifiers: ClinVar variation 998658 (VCV000998658.10), dbSNP rs758635700, ClinGen allele CA360281758.

ClinVar aggregate classification (germline): Uncertain significance. Review status: criteria provided, multiple submitters, no conflicts (2 of 4 stars). 2 submissions from 2 submitters: Uncertain significance (2). Last evaluated 2023-09-20.

Conditions:
Hereditary cancer-predisposing syndrome. Also called: Neoplastic Syndromes, Hereditary; Tumor predisposition; Hereditary Cancer Syndrome; Hereditary neoplastic syndrome. Identifiers: Orphanet 140162, MedGen C0027672, MeSH D009386, MONDO:0015356.

Submissions (2):

Labcorp Genetics (formerly Invitae), Labcorp
Classification: Uncertain significance. Last evaluated: 2023-09-20. Review status: criteria provided, single submitter. Criteria: Invitae Variant Classification Sherloc (09022015). Collection method: clinical testing. Allele origin: germline.
Comment: In summary, the available evidence is currently insufficient to determine the role of this variant in disease. Therefore, it has been classified as a Variant of Uncertain Significance. Algorithms developed to predict the effect of sequence changes on RNA splicing suggest that this variant may create or strengthen a splice site. An algorithm developed to predict the effect of missense changes on protein structure and function (PolyPhen-2) suggests that this variant is likely to be disruptive. ClinVar contains an entry for this variant (Variation ID: 998658). This variant has not been reported in the literature in individuals affected with MSH3-related conditions. This variant is not present in population databases (gnomAD no frequency). This sequence change replaces proline, which is neutral and non-polar, with leucine, which is neutral and non-polar, at codon 783 of the MSH3 protein (p.Pro783Leu).

Ambry Genetics
Classification: Uncertain significance for Hereditary cancer-predisposing syndrome. Last evaluated: 2022-11-10. Review status: criteria provided, single submitter. Criteria: Ambry Variant Classification Scheme 2023. Collection method: clinical testing. Allele origin: germline.
Comment: The p.P783L variant (also known as c.2348C>T), located in coding exon 17 of the MSH3 gene, results from a C to T substitution at nucleotide position 2348. The proline at codon 783 is replaced by leucine, an amino acid with similar properties. This amino acid position is highly conserved in available vertebrate species. In addition, this alteration is predicted to be deleterious by in silico analysis. Since supporting evidence is limited at this time, the clinical significance of this alteration remains unclear.